The following is an entry in ClinVar:

NM_007272.3(CTRC):c.779A>G (p.Asp260Gly)

Gene: CTRC (chymotrypsin C; plus strand). Cytogenetic location: 1p36.21.
Variant type: single nucleotide variant.
Coding change: c.779A>G on transcript NM_007272.3 (MANE Select); coding-DNA position 779, A replaced by G.
Protein change: p.Asp260Gly; replaces aspartic acid 260 with glycine.
Molecular consequence: missense variant.
Genome position (GRCh38, 1-based): chr1:15,445,736, A>G. VCF-style: chr1-15445736-A-G. GRCh37 (hg19) VCF-style: chr1-15772231-A-G.
Other names: short protein forms D260G.
Identifiers: ClinVar variation 1760662 (VCV001760662.4), dbSNP rs2526303929, ClinGen allele CA338568022.

ClinVar aggregate classification (germline): Uncertain significance. Review status: criteria provided, multiple submitters, no conflicts (2 of 4 stars). 2 submissions from 2 submitters: Uncertain significance (2). Last evaluated 2025-04-13.

Conditions:
Hereditary pancreatitis (PCTT). Also called: Hereditary chronic pancreatitis; PRSS1-Related Hereditary Pancreatitis. Identifiers: Orphanet 676, MedGen C0238339, MONDO:0008185, OMIM 167800.

Submissions (2):

Labcorp Genetics (formerly Invitae), Labcorp
Classification: Uncertain significance for Hereditary pancreatitis. Last evaluated: 2025-04-13. Review status: criteria provided, single submitter. Criteria: Invitae Variant Classification Sherloc (09022015). Collection method: clinical testing. Allele origin: germline.
Comment: This sequence change replaces aspartic acid, which is acidic and polar, with glycine, which is neutral and non-polar, at codon 260 of the CTRC protein (p.Asp260Gly). This variant is not present in population databases (gnomAD no frequency). This missense change has been observed in individual(s) with acute recurrent pancreatitis (PMID: 38876922). ClinVar contains an entry for this variant (Variation ID: 1760662). Invitae Evidence Modeling of protein sequence and biophysical properties (such as structural, functional, and spatial information, amino acid conservation, physicochemical variation, residue mobility, and thermodynamic stability) has been performed for this missense variant. However, the output from this modeling did not meet the statistical confidence thresholds required to predict the impact of this variant on CTRC protein function. Experimental studies have shown that this missense change does not substantially affect CTRC function (PMID: 38876922). In summary, the available evidence is currently insufficient to determine the role of this variant in disease. Therefore, it has been classified as a Variant of Uncertain Significance.

Ambry Genetics
Classification: Uncertain significance for Hereditary pancreatitis. Last evaluated: 2024-03-15. Review status: criteria provided, single submitter. Criteria: Ambry Variant Classification Scheme 2023. Collection method: clinical testing. Allele origin: germline.

Literature cited by the submitters: PubMed 38876922 (cited by Labcorp Genetics (formerly Invitae), Labcorp).